The following is an entry in ClinVar:

ClinVar aggregate classification (germline): Likely pathogenic (3 of 4 stars; one submission).

Conditions:
Glanzmann thrombasthenia. Also called: PLATELET GLYCOPROTEIN IIb-IIIa DEFICIENCY; Glanzmann's thrombasthenia; BLEEDING DISORDER, PLATELET-TYPE, 2; THROMBASTHENIA OF GLANZMANN AND NAEGELI; Thrombasthenia. Identifiers: Orphanet 849, MedGen C0040015, MONDO:0100326.

Allele frequency attached by ClinVar (database versions not stated): gnomAD exomes below 0.00001.

Submission:

ClinGen Platelet Disorders Variant Curation Expert Panel, ClinGen
Classification: Likely pathogenic for Glanzmann thrombasthenia. Last evaluated: 2025-02-18. Review status: reviewed by expert panel. Criteria: ClinGen Platelet ACMG Specifications v2-1. Collection method: curation. Allele origin: germline. Inheritance: Autosomal recessive inheritance.
Comment: NM_000419.5(ITGA2B):c.2326_2331dup (p.Glu776_Ala777dup) variant is predicted to cause a change in the length of the protein due to an in-frame insertion of 2 amino acids in a non-repeat region (PM4). At least one patient (Patient GT12 in PMID:25373348) with this variant displayed mucocutaneous bleeding and impaired aggregation with all agonists except ristocetin, which is highly specific for Glanzmann thrombasthenia. Additionally, αIIbβ3 surface expression was severely reduced, as measured by flow cytometry (PP4_strong). Confirmation of trans phase was not reported (PM3_supporting). The highest population minor allele frequency in gnomAD v4.1 is 8.474e-7 (1/1180034 alleles) in the European non-Finnish population, which is lower than the ClinGen PD VCEP threshold (<0.0001; PM2_Supporting). In summary this variant meets criteria to be classified as Likely Pathogenic for autosomal recessive Glanzmann Thrombasthenia based on the ACMG/AMP criteria applied, as specified by the ClinGen PD VCEP: PM4, PP4_strong, PM3_supporting, PM2_supporting. (VCEP specifications version 2)

NM_000419.5(ITGA2B):c.2326_2331dup (p.Glu776_Ala777dup)

Gene: ITGA2B (integrin subunit alpha 2b; minus strand). Cytogenetic location: 17q21.31.
Variant type: Duplication.
Coding change: c.2326_2331dup on transcript NM_000419.5 (MANE Select); coding-DNA positions 2326 to 2331, 6 bases duplicated (GAGGCC; older notation c.2326_2331dupGAGGCC).
Protein change: p.Glu776_Ala777dup.
Molecular consequence: inframe insertion.
Genome position (GRCh38, 1-based): chr17:44,376,325-44,376,330, GGCCTC duplicated on the plus strand (GAGGCC on the coding strand, the reverse complement: ITGA2B is on the minus strand). VCF-style (leftmost placement, unchanged base first): chr17-44376324-G-GGGCCTC. GRCh37 (hg19) VCF-style: chr17-42453692-G-GGGCCTC.
Other names: NM_000419.5:c.2326_2331dup.
Identifiers: ClinVar variation 1691462 (VCV001691462.3), dbSNP rs2143440798, ClinGen allele CA915940324.